The following is an entry in ClinVar:

ClinVar aggregate classification (germline): Uncertain significance. Review status: criteria provided, multiple submitters, no conflicts (2 of 4 stars). 3 submissions from 3 submitters: Uncertain significance (3). Last evaluated 2025-11-10.

Conditions:
Colorectal cancer, susceptibility to, 1. Also called: COLORECTAL ADENOMA AND CANCER, SUSCEPTIBILITY TO; COLORECTAL CANCER, SUSCEPTIBILITY TO, ON CHROMOSOME 9. Identifiers: MedGen C1837315, MONDO:0012132, OMIM 608812.

Allele frequency attached by ClinVar (database versions not stated): gnomAD 0.00001; TOPMed 0.00001.
gnomAD v4.1: 4 of 1,158,426 alleles (0.00035%); highest among the groups gnomAD compares: Admixed American, 0.0095%; no homozygotes.

Submissions (3):

Labcorp Genetics (formerly Invitae), Labcorp
Classification: Uncertain significance. Last evaluated: 2025-11-10. Review status: criteria provided, single submitter. Criteria: Invitae Variant Classification Sherloc (09022015). Collection method: clinical testing. Allele origin: germline.
Comment: This sequence change replaces arginine, which is basic and polar, with tryptophan, which is neutral and slightly polar, at codon 67 of the GALNT12 protein (p.Arg67Trp). This variant is not present in population databases (gnomAD no frequency). This variant has not been reported in the literature in individuals affected with GALNT12-related conditions. ClinVar contains an entry for this variant (Variation ID: 820488). Invitae Evidence Modeling of protein sequence and biophysical properties (such as structural, functional, and spatial information, amino acid conservation, physicochemical variation, residue mobility, and thermodynamic stability) indicates that this missense variant is not expected to disrupt GALNT12 protein function with a negative predictive value of 80%. In summary, the available evidence is currently insufficient to determine the role of this variant in disease. Therefore, it has been classified as a Variant of Uncertain Significance.

Ambry Genetics
Classification: Uncertain significance. Last evaluated: 2025-09-22. Review status: criteria provided, single submitter. Criteria: Ambry Variant Classification Scheme 2023. Collection method: clinical testing. Allele origin: germline.
Comment: The p.R67W variant (also known as c.199C>T), located in coding exon 1 of the GALNT12 gene, results from a C to T substitution at nucleotide position 199. The arginine at codon 67 is replaced by tryptophan, an amino acid with dissimilar properties. This amino acid position is highly conserved in available vertebrate species. In addition, this alteration is predicted to be tolerated by in silico analysis. Since supporting evidence is limited at this time, the clinical significance of this alteration remains unclear.

Baylor Genetics
Classification: Uncertain significance for Colorectal cancer, susceptibility to, 1. Last evaluated: 2023-10-12. Review status: criteria provided, single submitter. Criteria: ACMG Guidelines, 2015. Collection method: clinical testing. Allele origin: unknown.

NM_024642.5(GALNT12):c.199C>T (p.Arg67Trp)

Gene: GALNT12 (polypeptide N-acetylgalactosaminyltransferase 12; plus strand). Cytogenetic location: 9q22.33.
Variant type: single nucleotide variant.
Coding change: c.199C>T on transcript NM_024642.5 (MANE Select); coding-DNA position 199, C replaced by T.
Protein change: p.Arg67Trp; replaces arginine 67 with tryptophan.
Molecular consequence: missense variant.
Genome position (GRCh38, 1-based): chr9:98,807,897, C>T. VCF-style: chr9-98807897-C-T. GRCh37 (hg19) VCF-style: chr9-101570179-C-T.
Other names: short protein forms R67W.
Identifiers: ClinVar variation 820488 (VCV000820488.11), dbSNP rs1437425266, ClinGen allele CA374222507.